The following is an entry in ClinVar:

ClinVar aggregate classification (germline): Uncertain significance. Review status: criteria provided, multiple submitters, no conflicts (2 of 4 stars). 4 submissions from 4 submitters: Uncertain significance (4). Last evaluated 2025-07-31.

Conditions:
MLH3-related disorder. Also called: MLH3-related condition.
Colorectal cancer. Also called: Malignant Colorectal Neoplasm; Colorectal cancer, somatic. Identifiers: MedGen C0346629, MONDO:0005575, OMIM 114500.
Endometrial carcinoma. Also called: Endometrial carcinoma, somatic. Identifiers: MedGen C0476089, MONDO:0002447, OMIM 608089, HP:0012114.
Colorectal cancer, hereditary nonpolyposis, type 7. Identifiers: Orphanet 144, MedGen C1858380, MONDO:0013725, OMIM 614385.

Allele frequency attached by ClinVar (database versions not stated): gnomAD 0.00001; ExAC 0.00003; 1000 Genomes Project 30x 0.00016; 1000 Genomes Project 0.00020.
gnomAD v4.1: 21 of 1,613,932 alleles (0.0013%); highest among the groups gnomAD compares: South Asian, 0.0077%; no homozygotes.

Submissions (4):

Labcorp Genetics (formerly Invitae), Labcorp
Classification: Uncertain significance for Colorectal cancer, hereditary nonpolyposis, type 7. Last evaluated: 2025-07-31. Review status: criteria provided, single submitter. Criteria: Invitae Variant Classification Sherloc (09022015). Collection method: clinical testing. Allele origin: germline.
Comment: This sequence change replaces valine, which is neutral and non-polar, with methionine, which is neutral and non-polar, at codon 1220 of the MLH3 protein (p.Val1220Met). This variant is present in population databases (rs560775993, gnomAD 0.01%). This variant has not been reported in the literature in individuals affected with MLH3-related conditions. ClinVar contains an entry for this variant (Variation ID: 544276). An algorithm developed to predict the effect of missense changes on protein structure and function (PolyPhen-2) suggests that this variant is likely to be disruptive. In summary, the available evidence is currently insufficient to determine the role of this variant in disease. Therefore, it has been classified as a Variant of Uncertain Significance.

Ambry Genetics
Classification: Uncertain significance. Last evaluated: 2024-06-10. Review status: criteria provided, single submitter. Criteria: Ambry Variant Classification Scheme 2023. Collection method: clinical testing. Allele origin: germline.

Department of Pathology and Laboratory Medicine, Sinai Health System
Classification: Uncertain significance for Colorectal cancer; Endometrial carcinoma; Colorectal cancer, hereditary nonpolyposis, type 7. Last evaluated: 2023-12-18. Review status: criteria provided, single submitter. Criteria: ACMG Guidelines, 2015. Collection method: clinical testing. Allele origin: germline. Affected: yes.

PreventionGenetics, part of Exact Sciences
Classification: Uncertain significance for MLH3-related condition. Last evaluated: 2022-12-29. Review status: criteria provided, single submitter. Criteria: ACMG Guidelines, 2015. Collection method: clinical testing. Allele origin: germline.
Comment: The MLH3 c.3658G>A variant is predicted to result in the amino acid substitution p.Val1220Met. To our knowledge, this variant has not been reported in the literature. This variant is reported in 0.013% of alleles in individuals of South Asian descent in gnomAD. At this time, the clinical significance of this variant is uncertain due to the absence of conclusive functional and genetic evidence.

NM_001040108.2(MLH3):c.3658G>A (p.Val1220Met)

Gene: MLH3 (mutL homolog 3; minus strand). Cytogenetic location: 14q24.3.
Variant type: single nucleotide variant.
Coding change: c.3658G>A on transcript NM_001040108.2 (MANE Select); coding-DNA position 3658, G replaced by A.
Protein change: p.Val1220Met; replaces valine 1220 with methionine.
Molecular consequence: missense variant. On other transcripts: intron variant (1).
Genome position (GRCh38, 1-based): chr14:75,033,476, C>T on the plus strand (G>A on the coding strand, the complement: MLH3 is on the minus strand). VCF-style: chr14-75033476-C-T. GRCh37 (hg19) VCF-style: chr14-75500179-C-T.
Other names: c.3644-1297G>A (NM_014381.3); short protein forms V1220M.
Identifiers: ClinVar variation 544276 (VCV000544276.16), dbSNP rs560775993, ClinGen allele CA7275365.